The following is an entry in ClinVar:

ClinVar aggregate classification (germline): Uncertain significance. Review status: criteria provided, multiple submitters, no conflicts (2 of 4 stars). 3 submissions from 3 submitters: Uncertain significance (2). 1 of the submissions does not count toward it. Last evaluated 2025-01-01.

Conditions:
FCN3-related disorder. Also called: FCN3-related condition.

Allele frequency attached by ClinVar (database versions not stated): ExAC 0.00006; ESP Exome Variant Server 0.00008; 1000 Genomes Project 30x 0.00016; 1000 Genomes Project 0.00020.

Submissions (3):

CeGaT Center for Human Genetics Tuebingen
Classification: Uncertain significance. Last evaluated: 2025-01-01. Review status: criteria provided, single submitter. Criteria: CeGaT Center For Human Genetics Tuebingen Variant Classification Criteria Version 2. Collection method: clinical testing. Allele origin: germline. Affected: yes. Observed: 1 variant allele.
Comment: FCN3: PM2, BP4

Ambry Genetics
Classification: Uncertain significance. Last evaluated: 2024-07-14. Review status: criteria provided, single submitter. Criteria: Ambry Variant Classification Scheme 2023. Collection method: clinical testing. Allele origin: germline.

PreventionGenetics, part of Exact Sciences
Classification: Uncertain significance for FCN3-related condition. Last evaluated: 2023-11-08. Review status: no assertion criteria provided. Collection method: clinical testing. Allele origin: germline. Not counted in ClinVar's aggregate classification.
Comment: The FCN3 c.433C>T variant is predicted to result in the amino acid substitution p.Arg145Cys. To our knowledge, this variant has not been reported in the literature. This variant is reported in 0.036% of alleles in individuals of African descent in gnomAD. At this time, the clinical significance of this variant is uncertain due to the absence of conclusive functional and genetic evidence.

NM_003665.4(FCN3):c.433C>T (p.Arg145Cys)

Gene: FCN3 (ficolin 3; minus strand). Cytogenetic location: 1p36.11.
Variant type: single nucleotide variant.
Coding change: c.433C>T on transcript NM_003665.4 (MANE Select); coding-DNA position 433, C replaced by T.
Protein change: p.Arg145Cys; replaces arginine 145 with cysteine.
Molecular consequence: missense variant.
Genome position (GRCh38, 1-based): chr1:27,370,933, G>A on the plus strand (C>T on the coding strand, the complement: FCN3 is on the minus strand). VCF-style: chr1-27370933-G-A. GRCh37 (hg19) VCF-style: chr1-27697424-G-A.
Other names: c.400C>T, p.Arg134Cys (NM_173452.3); short protein forms R134C, R145C.
Identifiers: ClinVar variation 3032965 (VCV003032965.16), dbSNP rs373443059, ClinGen allele CA714292.